The following is an entry in ClinVar:

NM_000217.3(KCNA1):c.-110G>A

Gene: KCNA1 (potassium voltage-gated channel subfamily A member 1; plus strand). Cytogenetic location: 12p13.32.
Variant type: single nucleotide variant.
Coding change: c.-110G>A on transcript NM_000217.3 (MANE Select); 110 bases upstream of the start codon, G replaced by A.
Molecular consequence: 5 prime UTR variant.
Genome position (GRCh38, 1-based): chr12:4,911,269, G>A. VCF-style: chr12-4911269-G-A. GRCh37 (hg19) VCF-style: chr12-5020435-G-A.
Identifiers: ClinVar variation 309141 (VCV000309141.7), dbSNP rs35678382, ClinGen allele CA10637685.

ClinVar aggregate classification (germline): Benign. Review status: criteria provided, multiple submitters, no conflicts (2 of 4 stars). 3 submissions from 3 submitters: Benign (3). Last evaluated 2018-11-12.

Conditions:
Episodic ataxia type 1 (EA1). Also called: ATAXIA, EPISODIC, WITH MYOKYMIA; MYOKYMIA WITH PERIODIC ATAXIA; PAROXYSMAL ATAXIA WITH NEUROMYOTONIA, HEREDITARY; Episodic ataxia/myokymia syndrome. Identifiers: Orphanet 37612, Orphanet 972, MedGen C1719788, MONDO:0008047, OMIM 160120.

Allele frequency attached by ClinVar (database versions not stated): TOPMed 0.11737; gnomAD 0.12116 and 0.12364; 1000 Genomes Project 30x 0.15506; 1000 Genomes Project 0.15835.
gnomAD v4.1: 97,115 of 780,916 alleles (12%); highest among the groups gnomAD compares: East Asian, 20%; 6,626 homozygotes.

Submissions (3):

GeneDx
Classification: Benign. Last evaluated: 2018-11-12. Review status: criteria provided, single submitter. Criteria: GeneDx Variant Classification Process June 2021. Collection method: clinical testing. Allele origin: germline. Affected: yes.

Illumina Laboratory Services, Illumina
Classification: Benign for Episodic ataxia type 1. Last evaluated: 2018-01-12. Review status: criteria provided, single submitter. Criteria: ICSL Variant Classification Criteria 13 December 2019. Collection method: clinical testing. Allele origin: germline.
Comment: This variant was observed in the ICSL laboratory as part of a predisposition screen in an ostensibly healthy population. It had not been previously curated by ICSL or reported in the Human Gene Mutation Database (HGMD: prior to June 1st, 2018), and was therefore a candidate for classification through an automated scoring system. Utilizing variant allele frequency, disease prevalence and penetrance estimates, and inheritance mode, an automated score was calculated to assess if this variant is too frequent to cause the disease. Based on the score and internal cut-off values, a variant classified as benign is not then subjected to further curation. The score for this variant resulted in a classification of benign for this disease.

Breakthrough Genomics
Classification: Benign. Review status: criteria provided, single submitter. Criteria: ACMG Guidelines, 2015. Collection method: not provided. Allele origin: germline. Inheritance: Autosomal dominant inheritance. Affected: yes.